The following is an entry in ClinVar:

ClinVar aggregate classification (germline): Uncertain significance. Review status: criteria provided, multiple submitters, no conflicts (2 of 4 stars). 2 submissions from 2 submitters: Uncertain significance (2). Last evaluated 2025-12-18.

Conditions:
Dilated cardiomyopathy 1HH (CMD1HH). Identifiers: Orphanet 154, MedGen C3151293, MONDO:0013479, OMIM 613881.
Myofibrillar myopathy 6. Identifiers: Orphanet 199340, MedGen C2751831, MONDO:0013061, OMIM 612954.

Submissions (2):

Helix
Classification: Uncertain significance for Dilated cardiomyopathy 1HH. Last evaluated: 2025-12-18. Review status: criteria provided, single submitter. Criteria: ACMG Guidelines, 2015. Collection method: clinical testing. Allele origin: germline. Inheritance: Autosomal dominant inheritance.
Comment: This variant (NM_004281.4:c.538T>G p.Ser180Ala) results in the substitution of serine with alanine at codon 180 in the BAG3 protein. It is a rare variant that is absent from the large gnomAD population database (v4.1). To our knowledge, this variant has not been reported in individuals with BAG3-related conditions in the published literature. In silico prediction from REVEL (PMID: 27666373) suggests that this variant may be benign. This variant is present in ClinVar (Variation ID: 2061866). In conclusion, since the available evidence is limited, the clinical significance of this variant is unclear at this time. Therefore, it is classified as a Variant of Uncertain Significance.

Labcorp Genetics (formerly Invitae), Labcorp
Classification: Uncertain significance for Dilated cardiomyopathy 1HH; Myofibrillar myopathy 6. Last evaluated: 2024-10-23. Review status: criteria provided, single submitter. Criteria: Invitae Variant Classification Sherloc (09022015). Collection method: clinical testing. Allele origin: germline.
Comment: This sequence change replaces serine, which is neutral and polar, with alanine, which is neutral and non-polar, at codon 180 of the BAG3 protein (p.Ser180Ala). This variant is not present in population databases (gnomAD no frequency). This variant has not been reported in the literature in individuals affected with BAG3-related conditions. ClinVar contains an entry for this variant (Variation ID: 2061866). An algorithm developed to predict the effect of missense changes on protein structure and function (PolyPhen-2) suggests that this variant is likely to be tolerated. In summary, the available evidence is currently insufficient to determine the role of this variant in disease. Therefore, it has been classified as a Variant of Uncertain Significance.

NM_004281.4(BAG3):c.538T>G (p.Ser180Ala)

Gene: BAG3 (BAG cochaperone 3; plus strand). Cytogenetic location: 10q26.11.
Variant type: single nucleotide variant.
Coding change: c.538T>G on transcript NM_004281.4 (MANE Select); coding-DNA position 538, T replaced by G.
Protein change: p.Ser180Ala; replaces serine 180 with alanine.
Molecular consequence: missense variant.
Genome position (GRCh38, 1-based): chr10:119,672,285, T>G. VCF-style: chr10-119672285-T-G. GRCh37 (hg19) VCF-style: chr10-121431797-T-G.
Other names: short protein forms S180A.
Identifiers: ClinVar variation 2061866 (VCV002061866.5), dbSNP rs2134064962, ClinGen allele CA378295298.
Genomic context (GRCh38, chr10:119,672,285, plus strand): 5'-GTCATGCCCTCTACCCTGTGTCTCTTGCAGCGGTCCCAGTCTCCAGCTGCCTCTGACTGC[T>G]CATCCTCATCCTCCTCGGCCAGCCTGCCTTCCTCCGGCAGGAGCAGCCTGGGCAGTCACC-3'
Protein context (NP_004272.2, residues 170-190): RSQSPAASDC[Ser180Ala]SSSSSASLPS